The following is an entry in ClinVar:

NM_170601.5(SIAE):c.136G>C (p.Val46Leu)

Gene: SIAE (sialic acid acetylesterase; minus strand). Cytogenetic location: 11q24.2.
Variant type: single nucleotide variant.
Coding change: c.136G>C on transcript NM_170601.5 (MANE Select); coding-DNA position 136, G replaced by C.
Protein change: p.Val46Leu; replaces valine 46 with leucine.
Molecular consequence: missense variant.
Genome position (GRCh38, 1-based): chr11:124,669,453, C>G on the plus strand (G>C on the coding strand, the complement: SIAE is on the minus strand). VCF-style: chr11-124669453-C-G. GRCh37 (hg19) VCF-style: chr11-124539349-C-G.
Other names: c.31G>C, p.Val11Leu (NM_001199922.2); short protein forms V11L, V46L.
Identifiers: ClinVar variation 2991842 (VCV002991842.3), dbSNP rs572559188, ClinGen allele CA6341651.
Genomic context (GRCh38, chr11:124,669,453, plus strand): 5'-CCTGACCTTGGCGCAGGGTCACGGTCACTGTGGCTCCAGGTGTACCGAAGCCCCATATCA[C>G]TGCCCCAGCAGGCTCCTTCTGCAGCACCATATCATTATTGATGTATGAAGCAAAGCGAAA-3'
Protein context (NP_733746.1, residues 36-56): MVLQKEPAGA[Val46Leu]IWGFGTPGAT

ClinVar aggregate classification (germline): Uncertain significance (1 of 4 stars; one submission).

Allele frequency attached by ClinVar (database versions not stated): gnomAD exomes 0.00001; gnomAD 0.00003; TOPMed 0.00003; ExAC 0.00010; 1000 Genomes Project 30x 0.00016; 1000 Genomes Project 0.00020.
gnomAD v4.1: 19 of 1,614,138 alleles (0.0012%); highest among the groups gnomAD compares: East Asian, 0.036%; no homozygotes.

Submission:

Labcorp Genetics (formerly Invitae), Labcorp
Classification: Uncertain significance. Last evaluated: 2024-11-04. Review status: criteria provided, single submitter. Criteria: Invitae Variant Classification Sherloc (09022015). Collection method: clinical testing. Allele origin: germline.
Comment: This sequence change replaces valine, which is neutral and non-polar, with leucine, which is neutral and non-polar, at codon 46 of the SIAE protein (p.Val46Leu). This variant is present in population databases (rs572559188, gnomAD 0.1%), and has an allele count higher than expected for a pathogenic variant. This variant has not been reported in the literature in individuals affected with SIAE-related conditions. ClinVar contains an entry for this variant (Variation ID: 2991842). An algorithm developed to predict the effect of missense changes on protein structure and function (PolyPhen-2) suggests that this variant is likely to be tolerated. In summary, the available evidence is currently insufficient to determine the role of this variant in disease. Therefore, it has been classified as a Variant of Uncertain Significance.